The following is an entry in ClinVar:

ClinVar aggregate classification (germline): Benign/Likely benign. Review status: criteria provided, multiple submitters, no conflicts (2 of 4 stars). 3 submissions from 3 submitters: Benign (1); Likely benign (2). Last evaluated 2026-04-12.

Conditions:
Hereditary cancer-predisposing syndrome. Also called: Hereditary neoplastic syndrome; Neoplastic Syndromes, Hereditary; Tumor predisposition; Hereditary Cancer Syndrome. Identifiers: Orphanet 140162, MedGen C0027672, MeSH D009386, MONDO:0015356.
Familial adenomatous polyposis 1 (FAP1). Also called: POLYPOSIS, ADENOMATOUS INTESTINAL; FAMILIAL ADENOMATOUS POLYPOSIS 1, ATTENUATED. Identifiers: MedGen C2713442, MONDO:0021056, OMIM 175100. Disease mechanism: loss of function.

Allele frequency attached by ClinVar (database versions not stated): TOPMed below 0.00001.

Submissions (3):

Ambry Genetics
Classification: Likely benign for Hereditary cancer-predisposing syndrome. Last evaluated: 2026-04-12. Review status: criteria provided, single submitter. Criteria: Ambry Variant Classification Scheme 2023. Collection method: clinical testing. Allele origin: germline.

Myriad Genetics, Inc.
Classification: Benign for Familial adenomatous polyposis 1. Last evaluated: 2024-03-21. Review status: criteria provided, single submitter. Criteria: Myriad Autosomal Dominant, Autosomal Recessive and X-Linked Classification Criteria (2023). Collection method: clinical testing. Allele origin: unknown.
Comment: This variant is considered benign. This variant is a silent/synonymous amino acid change and it is not expected to impact splicing.

Labcorp Genetics (formerly Invitae), Labcorp
Classification: Likely benign for Familial adenomatous polyposis 1. Last evaluated: 2023-12-11. Review status: criteria provided, single submitter. Criteria: Invitae Variant Classification Sherloc (09022015). Collection method: clinical testing. Allele origin: germline.

NM_000038.6(APC):c.3564T>C (p.Pro1188=)

Gene: APC (APC regulator of Wnt signaling pathway; plus strand). Cytogenetic location: 5q22.2.
Variant type: single nucleotide variant.
Coding change: c.3564T>C on transcript NM_000038.6 (MANE Select); coding-DNA position 3564, T replaced by C.
Protein change: p.Pro1188=; no amino-acid change (proline 1188 retained).
Molecular consequence: synonymous variant. On other transcripts: non-coding transcript variant (2).
Genome position (GRCh38, 1-based): chr5:112,839,158, T>C. VCF-style: chr5-112839158-T-C. GRCh37 (hg19) VCF-style: chr5-112174855-T-C.
Other names: c.3261T>C, p.Pro1087= (NM_001354903.2, NM_001407458.1, NM_001407459.1 and 1 more transcripts); c.3186T>C, p.Pro1062= (NM_001354904.2); c.3084T>C, p.Pro1028= (NM_001354905.2); c.2715T>C, p.Pro905= (NM_001354906.2, NM_001407470.1); c.3648T>C, p.Pro1216= (NM_001407446.1); c.3618T>C, p.Pro1206= (NM_001407447.1, NM_001407448.1, NM_001407449.1 and 1 more transcripts); c.3564T>C, p.Pro1188= (NM_001407450.1, NM_001127510.3, NM_001354895.2); c.3543T>C, p.Pro1181= (NM_001407451.1); and 12 more.
Identifiers: ClinVar variation 2895201 (VCV002895201.5), dbSNP rs1367649227, ClinGen allele CA445963595.